The following is an entry in ClinVar:

NM_015512.5(DNAH1):c.8170C>T (p.Arg2724Ter)

Gene: DNAH1 (dynein axonemal heavy chain 1; plus strand). Cytogenetic location: 3p21.1.
Variant type: single nucleotide variant.
Coding change: c.8170C>T on transcript NM_015512.5 (MANE Select); coding-DNA position 8170, C replaced by T.
Protein change: p.Arg2724Ter; replaces arginine 2724 with a stop codon.
Molecular consequence: nonsense.
Genome position (GRCh38, 1-based): chr3:52,383,879, C>T. VCF-style: chr3-52383879-C-T. GRCh37 (hg19) VCF-style: chr3-52417895-C-T.
Other names: short protein forms R2724*.
Identifiers: ClinVar variation 2167601 (VCV002167601.6), dbSNP rs1020480721, ClinGen allele CA74772316.

ClinVar aggregate classification (germline): Pathogenic. Review status: criteria provided, multiple submitters, no conflicts (2 of 4 stars). 2 submissions from 2 submitters: Pathogenic (2). Last evaluated 2024-11-16.

Conditions:
Spermatogenic failure 18. Identifiers: MedGen C4539783, MONDO:0054615, OMIM 617576.
Ciliary dyskinesia, primary, 37 (CILD37). Also called: CILIARY DYSKINESIA, PRIMARY, 37, WITH OR WITHOUT SITUS INVERSUS. Identifiers: MedGen C4539798, MONDO:0033204, OMIM 617577.

Allele frequency attached by ClinVar (database versions not stated): gnomAD exomes 0.00002; TOPMed 0.00002.
gnomAD v4.1: 23 of 1,601,732 alleles (0.0014%); highest among the groups gnomAD compares: East Asian, 0.0045%; no homozygotes.

Submissions (2):

Labcorp Genetics (formerly Invitae), Labcorp
Classification: Pathogenic for Ciliary dyskinesia, primary, 37; Spermatogenic failure 18. Last evaluated: 2024-11-16. Review status: criteria provided, single submitter. Criteria: Invitae Variant Classification Sherloc (09022015). Collection method: clinical testing. Allele origin: germline.
Comment: This sequence change creates a premature translational stop signal (p.Arg2724*) in the DNAH1 gene. It is expected to result in an absent or disrupted protein product. Loss-of-function variants in DNAH1 are known to be pathogenic (PMID: 27573432, 27798045). The frequency data for this variant in the population databases is considered unreliable, as metrics indicate poor data quality at this position in the gnomAD database. This premature translational stop signal has been observed in individual(s) with DNAH1-related conditions (PMID: 33968654). ClinVar contains an entry for this variant (Variation ID: 2167601). For these reasons, this variant has been classified as Pathogenic.

Juno Genomics, Hangzhou Juno Genomics, Inc
Classification: Pathogenic for Ciliary dyskinesia, primary, 37; Spermatogenic failure 18. Review status: criteria provided, single submitter. Criteria: ACMG Guidelines, 2015. Collection method: clinical testing. Allele origin: germline. Affected: yes.
Comment: Null variant in a gene where loss of function (LOF) is a known mechanism of disease.;Absent from controls (or at extremely low frequency if recessive) in Genome Aggregation Database, Exome Sequencing Project, 1000 Genomes Project, or Exome Aggregation Consortium.;Patient's phenotype or family history is highly specific for a disease with a single genetic etiology.

Literature cited by the submitters: PubMed 27573432 (cited by Labcorp Genetics (formerly Invitae), Labcorp); PubMed 27798045 (cited by Labcorp Genetics (formerly Invitae), Labcorp); PubMed 33968654 (cited by Labcorp Genetics (formerly Invitae), Labcorp).